The following is an entry in ClinVar:

NM_000492.4(CFTR):c.3871C>T (p.Gln1291Ter)

Genes: CFTR (CF transmembrane conductance regulator; plus strand), CFTR-AS2 (CFTR antisense RNA 2; minus strand). Cytogenetic location: 7q31.2.
Variant type: single nucleotide variant.
Coding change: c.3871C>T on transcript NM_000492.4 (MANE Select); coding-DNA position 3871, C replaced by T.
Protein change: p.Gln1291Ter; replaces glutamine 1291 with a stop codon.
Molecular consequence: nonsense.
Genome position (GRCh38, 1-based): chr7:117,642,591, C>T. VCF-style: chr7-117642591-C-T. GRCh37 (hg19) VCF-style: chr7-117282645-C-T.
Other names: short protein forms Q1291*.
Identifiers: ClinVar variation 53826 (VCV000053826.8), dbSNP rs397508620, ClinGen allele CA327314.
Genomic context (GRCh38, chr7:117,642,591, plus strand): 5'-GGTGTGTCTTGGGATTCAATAACTTTGCAACAGTGGAGGAAAGCCTTTGGAGTGATACCA[C>T]AGGTGAGCAAAAGGACTTAGCCAGAAAAAAGGCAACTAAATTATATTTTTTACTGCTATT-3'

ClinVar aggregate classification (germline): Pathogenic. Review status: criteria provided, multiple submitters, no conflicts (2 of 4 stars). 6 submissions from 6 submitters: Pathogenic (5). 1 of the submissions does not count toward it. Last evaluated 2025-03-18.

Conditions:
CFTR-related disorder (CFTR-RD). Also called: CFTR-related disorders; CFTR-related condition. Identifiers: MedGen C5924204, MONDO:7770004.
Cystic fibrosis (CF). Also called: MUCOVISCIDOSIS. Identifiers: Orphanet 586, MedGen C0010674, MONDO:0009061, OMIM 219700. Disease mechanism: loss of function.
Bronchiectasis with or without elevated sweat chloride 1 (BESC1). Also called: Cystic Fibrosis-Like Syndrome. Identifiers: Orphanet 60033, MedGen C2749757, MONDO:0008887, OMIM 211400.

Allele frequency attached by ClinVar (database versions not stated): gnomAD exomes below 0.00001.
gnomAD v4.1: 1 of 1,613,228 alleles (0.000062%); no homozygotes.

Submissions (6):

Natera, Inc.
Classification: Pathogenic for CFTR-related disorders. Last evaluated: 2025-03-18. Review status: criteria provided, single submitter. Criteria: Natera Variant Classification Schema (03/2026). Collection method: clinical testing. Allele origin: germline.
Comment: The c.3871C>T variant in CFTR is a nonsense variant predicted to introduce a stop codon at amino acid 1291. This variant is expected to result in nonsense mediated decay, truncation, or a dysfunctional protein product. This variant is rare in the general population with a frequency below the threshold expected for the associated phenotype(s). This variant has been observed in one or more individuals affected with the associated recessive disease, as either homozygous or compound heterozygous with a second variant (PMID: 11295849, 31136843). Given the available evidence, this variant is classified as Pathogenic.

Women's Health and Genetics/Laboratory Corporation of America, LabCorp
Classification: Pathogenic for Cystic fibrosis. Last evaluated: 2023-12-28. Review status: criteria provided, single submitter. Criteria: LabCorp Variant Classification Summary - May 2015. Collection method: clinical testing. Allele origin: germline.
Comment: Variant summary: CFTR c.3871C>T (p.Gln1291X) results in a premature termination codon, predicted to cause absence of the protein due to nonsense mediated decay, which is a commonly known mechanism for disease. The variant allele was found at a frequency of 4e-06 in 250646 control chromosomes (gnomAD v2.1). c.3871C>T has been reported in the literature in individuals affected with Cystic Fibrosis who were compound heterozygous with other (likely) pathogenic variants (Feldmann_2001, Kim_2022). These data indicate that the variant is likely to be associated with disease. The following publications have been ascertained in the context of this evaluation (PMID: 36174992, 11295849). One submitter has cited a clinical-significance assessment for this variant to ClinVar after 2014 and has classified the variant as pathogenic. Based on the evidence outlined above, the variant was classified as pathogenic.

Labcorp Genetics (formerly Invitae), Labcorp
Classification: Pathogenic for Cystic fibrosis. Last evaluated: 2023-10-29. Review status: criteria provided, single submitter. Criteria: Invitae Variant Classification Sherloc (09022015). Collection method: clinical testing. Allele origin: germline.
Comment: This sequence change creates a premature translational stop signal (p.Gln1291*) in the CFTR gene. It is expected to result in an absent or disrupted protein product. Loss-of-function variants in CFTR are known to be pathogenic (PMID: 1695717, 7691345, 9725922). The frequency data for this variant in the population databases is considered unreliable, as metrics indicate poor data quality at this position in the gnomAD database. This premature translational stop signal has been observed in individual(s) with cystic fibrosis (PMID: 11295849, 15716623, 31136843). ClinVar contains an entry for this variant (Variation ID: 53826). For these reasons, this variant has been classified as Pathogenic.

Baylor Genetics
Classification: Pathogenic for Bronchiectasis with or without elevated sweat chloride 1. Last evaluated: 2023-03-17. Review status: criteria provided, single submitter. Criteria: ACMG Guidelines, 2015. Collection method: clinical testing. Allele origin: unknown.

Johns Hopkins Genomics, Johns Hopkins University
Classification: Pathogenic for Cystic fibrosis. Last evaluated: 2022-06-15. Review status: criteria provided, single submitter. Criteria: ACMG Guidelines, 2015. Collection method: clinical testing. Allele origin: germline.
Comment: CFTR c.3871C>T (rs397508620) has been identified in multiple individuals with features of cystic fibrosis and has an entry in ClinVar (Variation ID: 53826). It is rare (<0.1%) in a large population dataset (gnomAD: 1/250646 total alleles; 0.000399%; no homozygotes). This nonsense variant results in a premature stop codon in exon 23 (legacy exon 20) likely leading to nonsense-mediated decay and lack of protein production. We consider CFTR c.3871C>T to be pathogenic.

ClinVar Staff, National Center for Biotechnology Information (NCBI)
No classification provided. Condition: CFTR-related disorders. Review status: no classification provided. Collection method: literature only. Allele origin: germline. Affected: yes. Not counted in ClinVar's aggregate classification.

Literature cited by the submitters: PubMed 11295849 (cited by 5 submitters); PubMed 31136843 (cited by 3 submitters); PubMed 36174992 (cited by Women's Health and Genetics/Laboratory Corporation of America, LabCorp); PubMed 1695717 (cited by Labcorp Genetics (formerly Invitae), Labcorp); PubMed 7691345 (cited by Labcorp Genetics (formerly Invitae), Labcorp); PubMed 9725922 (cited by Labcorp Genetics (formerly Invitae), Labcorp); PubMed 15716623 (cited by Labcorp Genetics (formerly Invitae), Labcorp and Johns Hopkins Genomics, Johns Hopkins University).